The following is an entry in ClinVar:

NM_005359.6(SMAD4):c.391dup (p.Tyr131fs)

Gene: SMAD4 (SMAD family member 4; plus strand). Cytogenetic location: 18q21.2.
Variant type: Duplication.
Coding change: c.391dup on transcript NM_005359.6 (MANE Select); coding-DNA position 391, one base duplicated (T; older notation c.391dupT).
Protein change: p.Tyr131fs; shifts the reading frame from tyrosine 131.
Molecular consequence: frameshift variant.
Genome position (GRCh38, 1-based): chr18:51,048,827, T duplicated. VCF-style (leftmost placement, unchanged base first): chr18-51048826-A-AT. GRCh37 (hg19) VCF-style: chr18-48575196-A-AT.
Other names: c.391dup, p.Tyr131Leufs (NM_001407041.1, NM_001407042.1, NM_001407043.1); short protein forms Y131fs.
Identifiers: ClinVar variation 2058203 (VCV002058203.4), dbSNP rs2511369682, ClinGen allele CA2580095876.
Genomic context (GRCh38, chr18:51,048,826, plus strand): 5'-ACATGTTAAATATTGTCAGTATGCGTTTGACTTAAAATGTGATAGTGTCTGTGTGAATCC[A>AT]TATCACTACGAACGAGTTGTATCACCTGGAATTGGTAAGTAGACTTTGCTTTCATCCTAA-3'

ClinVar aggregate classification (germline): Pathogenic (1 of 4 stars; one submission).

Conditions:
Juvenile polyposis syndrome (JPS). Identifiers: Orphanet 2929, MedGen C0345893, MONDO:0017380, OMIM 174900.

Submission:

Labcorp Genetics (formerly Invitae), Labcorp
Classification: Pathogenic for Juvenile polyposis syndrome. Last evaluated: 2026-01-06. Review status: criteria provided, single submitter. Criteria: Invitae Variant Classification Sherloc (09022015). Collection method: clinical testing. Allele origin: germline.
Comment: This sequence change creates a premature translational stop signal (p.Tyr131Leufs*12) in the SMAD4 gene. It is expected to result in an absent or disrupted protein product. Loss-of-function variants in SMAD4 are known to be pathogenic (PMID: 16152648, 16436638, 22810475). This variant is not present in population databases (gnomAD no frequency). This variant has not been reported in the literature in individuals affected with SMAD4-related conditions. ClinVar contains an entry for this variant (Variation ID: 2058203). For these reasons, this variant has been classified as Pathogenic.

Literature cited by the submitters: PubMed 16152648; PubMed 16436638; PubMed 22810475.